The following is an entry in ClinVar:

ClinVar aggregate classification (germline): Uncertain significance. Review status: criteria provided, multiple submitters, no conflicts (2 of 4 stars). 3 submissions from 3 submitters: Uncertain significance (3). Last evaluated 2025-09-12.

Conditions:
Holocarboxylase synthetase deficiency. Also called: MULTIPLE CARBOXYLASE DEFICIENCY, EARLY ONSET. Identifiers: Orphanet 79242, MedGen C0268581, MONDO:0009666, OMIM 253270.

Allele frequency attached by ClinVar (database versions not stated): ExAC 0.00001; TOPMed 0.00001.

Submissions (3):

Myriad Genetics, Inc.
Classification: Uncertain significance for Holocarboxylase synthetase deficiency. Last evaluated: 2025-09-12. Review status: criteria provided, single submitter. Criteria: Myriad Autosomal Dominant, Autosomal Recessive and X-Linked Classification Criteria (2023). Collection method: clinical testing. Allele origin: unknown.
Comment: NM_000411.6(HLCS):c.2159delT(L720Pfs*31) is a frameshift variant that results in protein elongation classified as a variant of uncertain significance in the context of holocarboxylase synthetase deficiency. L720Pfs*31 has not been observed in cases with relevant disease. Relevant functional assessments of this variant are not available in the literature. L720Pfs*31 has not been observed in referenced population frequency databases. In summary, there is insufficient evidence to classify NM_000411.6(HLCS):c.2159delT(L720Pfs*31) as pathogenic or benign. Please note: this variant was assessed in the context of healthy population screening.

Fulgent Genetics
Classification: Uncertain significance for Holocarboxylase synthetase deficiency. Last evaluated: 2022-04-26. Review status: criteria provided, single submitter. Criteria: ACMG Guidelines, 2015. Collection method: clinical testing. Allele origin: unknown.

Women's Health and Genetics/Laboratory Corporation of America, LabCorp
Classification: Uncertain significance. Last evaluated: 2022-03-01. Review status: criteria provided, single submitter. Criteria: LabCorp Variant Classification Summary - May 2015. Collection method: clinical testing. Allele origin: germline.
Comment: Variant summary: HLCS c.2159delT (p.Leu720ProfsX31) variant is located in the last exon, predicted to replace the last 7 amino acids with an incorrect protein sequence, causing a frameshift which results in an extension of the protein. The variant was absent in 251000 control chromosomes (gnomAD). To our knowledge, no occurrence of c.2159delT in individuals affected with Holocarboxylase Synthetase Deficiency and no experimental evidence demonstrating its impact on protein function have been reported. No clinical diagnostic laboratories have submitted clinical-significance assessments for this variant to ClinVar after 2014. Based on the evidence outlined above, the variant was classified as uncertain significance.

NM_001352514.2(HLCS):c.2600del (p.Leu867fs)

Gene: HLCS (holocarboxylase synthetase; minus strand). Cytogenetic location: 21q22.13.
Variant type: Deletion.
Coding change: c.2600del on transcript NM_001352514.2 (MANE Select); coding-DNA position 2600, one base deleted (T; older notation c.2600delT).
Protein change: p.Leu867fs; shifts the reading frame from leucine 867.
Molecular consequence: frameshift variant. On other transcripts: non-coding transcript variant (2).
Genome position (GRCh38, 1-based): chr21:36,754,268, A deleted on the plus strand (T on the coding strand, the reverse complement: HLCS is on the minus strand). VCF-style (leftmost placement, unchanged base first): chr21-36754267-GA-G. GRCh37 (hg19) VCF-style: chr21-38126568-GA-G.
Other names: c.2159del, p.Leu720fs (NM_001242785.2, NM_001352515.2, NM_001352516.2 and 4 more transcripts); short protein forms L720fs, L867fs.
Identifiers: ClinVar variation 1677002 (VCV001677002.3), dbSNP rs761447836, ClinGen allele CA10020209.
Genomic context (GRCh38, chr21:36,754,267, plus strand): 5'-GGGCACGGACAGGCAGCCGCGTCTCGGGGACGCCCGGCATTACCGCCGTTTGGGGAGGAT[GA>G]GGTTTCTCAGCATGTCGAAGGAGTTGCCGTCCGGGTGCACAGTCACAACCTCGCCGCCCT-3'